The following is an entry in ClinVar:

ClinVar aggregate classification (germline): Benign/Likely benign. Review status: criteria provided, multiple submitters, no conflicts (2 of 4 stars). 3 submissions from 3 submitters: Benign (1); Likely benign (2). Last evaluated 2026-07-15.

Conditions:
Rhabdoid tumor predisposition syndrome 2 (RTPS2). Identifiers: Orphanet 231108, Orphanet 69077, MedGen C2750074, MONDO:0013224, OMIM 613325.
Hereditary cancer-predisposing syndrome. Also called: Hereditary neoplastic syndrome; Neoplastic Syndromes, Hereditary; Tumor predisposition; Hereditary Cancer Syndrome. Identifiers: Orphanet 140162, MedGen C0027672, MeSH D009386, MONDO:0015356.

Submissions (3):

Myriad Genetics, Inc.
Classification: Benign for Rhabdoid tumor predisposition syndrome 2. Last evaluated: 2026-07-15. Review status: criteria provided, single submitter. Criteria: Myriad Autosomal Dominant, Autosomal Recessive and X-Linked Classification Criteria (2023). Collection method: clinical testing. Allele origin: unknown.
Comment: This variant is considered benign. This variant is a silent/synonymous amino acid change and it is not expected to impact splicing.

Labcorp Genetics (formerly Invitae), Labcorp
Classification: Likely benign for Rhabdoid tumor predisposition syndrome 2. Last evaluated: 2025-11-17. Review status: criteria provided, single submitter. Criteria: Invitae Variant Classification Sherloc (09022015). Collection method: clinical testing. Allele origin: germline.

Ambry Genetics
Classification: Likely benign for Hereditary cancer-predisposing syndrome. Last evaluated: 2022-09-03. Review status: criteria provided, single submitter. Criteria: Ambry Variant Classification Scheme 2023. Collection method: clinical testing. Allele origin: germline.

NM_003072.5(SMARCA4):c.3675C>T (p.Asp1225=)

Gene: SMARCA4 (SWI/SNF related BAF chromatin remodeling complex subunit ATPase 4; plus strand). Cytogenetic location: 19p13.2.
Variant type: single nucleotide variant.
Coding change: c.3675C>T on transcript NM_003072.5 (MANE Select); coding-DNA position 3675, C replaced by T.
Protein change: p.Asp1225=; no amino-acid change (aspartic acid 1225 retained).
Molecular consequence: synonymous variant. On other transcripts: non-coding transcript variant (1).
Genome position (GRCh38, 1-based): chr19:11,033,418, C>T. VCF-style: chr19-11033418-C-T. GRCh37 (hg19) VCF-style: chr19-11144094-C-T.
Other names: c.3675C>T, p.Asp1225= (NM_001128844.3, NM_001128845.2, NM_001128846.2 and 6 more transcripts).
Identifiers: ClinVar variation 1733828 (VCV001733828.6), dbSNP rs1568509865, ClinGen allele CA505743671.